The following is an entry in ClinVar:

ClinVar aggregate classification (germline): Benign. Review status: criteria provided, multiple submitters, no conflicts (2 of 4 stars). 13 submissions from 13 submitters: Benign (8). 5 of the submissions do not count toward it. Last evaluated 2026-02-04.

Conditions:
Inborn genetic diseases. Identifiers: MedGen C0950123, MeSH D030342.
Mucopolysaccharidosis, MPS-II (MPS2). Also called: Mucopolysaccharidosis with skin involvement; Mucopolysaccharidosis type 2; IDURONATE 2-SULFATASE DEFICIENCY; Mucopolysaccharidosis Type II; IDS deficiency; Sulfoiduronate sulfatase deficiency. Identifiers: Orphanet 580, Orphanet 79388, MedGen C0026705, MONDO:0010674, OMIM 309900.

Allele frequency attached by ClinVar (database versions not stated): 1000 Genomes Project 0.19258; 1000 Genomes Project 30x 0.19750; gnomAD exomes 0.27461 and 0.34820; ExAC 0.27831; TOPMed 0.30842; gnomAD 0.31135 and 0.32051; ESP Exome Variant Server 0.34308.
gnomAD v4.1: 400,532 of 1,165,083 alleles (34%); highest among the groups gnomAD compares: Non-Finnish European, 39%; 54,181 homozygotes.

Submissions (13):

Labcorp Genetics (formerly Invitae), Labcorp
Classification: Benign for Mucopolysaccharidosis, MPS-II. Last evaluated: 2026-02-04. Review status: criteria provided, single submitter. Criteria: Invitae Variant Classification Sherloc (09022015). Collection method: clinical testing. Allele origin: germline.

GeneDx
Classification: Benign. Last evaluated: 2018-06-25. Review status: criteria provided, single submitter. Criteria: GeneDx Variant Classification Process June 2021. Collection method: clinical testing. Allele origin: germline. Affected: yes.

Women's Health and Genetics/Laboratory Corporation of America, LabCorp
Classification: Benign. Last evaluated: 2016-06-08. Review status: criteria provided, single submitter. Criteria: LabCorp Variant Classification Summary - May 2015. Collection method: clinical testing. Allele origin: germline.
Comment: Variant summary: The IDS c.438C>T (p.Thr146Thr) variant involves the alteration of a non-conserved nucleotide, resulting in a synonymous change. 5/5 splice prediction tools predict no significant impact on normal splicing. This variant was found in 24360/87524 control chromosomes (including 2605 homozygotes and 9302 hemizygotes) at a frequency of 0.2783237, which is approximately 96 times the estimated maximal expected allele frequency of a pathogenic IDS variant (0.0028868). Thus this variant is a common polymorphism found in the general population. In addition, multiple clinical diagnostic laboratories have classified this variant as benign and the variant is considered a common polymorphism in the literature. Taken together, this variant is classified as Benign.

Ambry Genetics
Classification: Benign for Inborn genetic diseases. Last evaluated: 2014-11-24. Review status: criteria provided, single submitter. Criteria: Ambry Variant Classification Scheme 2023. Collection method: clinical testing. Allele origin: germline.

Eurofins Ntd Llc (ga)
Classification: Benign. Last evaluated: 2013-08-08. Review status: criteria provided, single submitter. Criteria: EGL Classification Definitions 2015. Collection method: clinical testing. Allele origin: germline. Observed: 37 variant alleles, 16 heterozygotes, 9 homozygotes, 13 hemizygotes.

IIFP, CONICET-UNLP
Classification: Benign for Mucopolysaccharidosis, MPS-II. Last evaluated: 2007-05-31. Review status: criteria provided, single submitter. Criteria: ACMG Guidelines, 2007. Collection method: research. Allele origin: maternal, unknown. Inheritance: X-linked inheritance. Affected: no. Observed: 8 variant alleles.

Breakthrough Genomics
Classification: Benign. Review status: criteria provided, single submitter. Criteria: ACMG Guidelines, 2015. Collection method: not provided. Allele origin: germline. Inheritance: X-linked inheritance. Affected: yes.

PreventionGenetics, part of Exact Sciences
Classification: Benign. Review status: criteria provided, single submitter. Criteria: ACMG Guidelines, 2015. Collection method: clinical testing. Allele origin: germline.

Natera, Inc.
Classification: Benign for Mucopolysaccharidosis type II. Last evaluated: 2020-09-16. Review status: no assertion criteria provided. Collection method: clinical testing. Allele origin: germline. Not counted in ClinVar's aggregate classification.

Mayo Clinic Laboratories, Mayo Clinic
Classification: Benign. Last evaluated: 2016-02-03. Review status: no assertion criteria provided. Collection method: clinical testing. Allele origin: unknown. Not counted in ClinVar's aggregate classification.

Clinical Genetics DNA and cytogenetics Diagnostics Lab, Erasmus MC, Erasmus Medical Center
Classification: Benign. Review status: no assertion criteria provided. Collection method: clinical testing. Allele origin: germline. Affected: yes. Study: VKGL Data-share Consensus. Not counted in ClinVar's aggregate classification.

Clinical Genetics, Academic Medical Center
Classification: Benign. Review status: no assertion criteria provided. Collection method: clinical testing. Allele origin: germline. Affected: yes. Study: VKGL Data-share Consensus. Not counted in ClinVar's aggregate classification.

Diagnostic Laboratory, Department of Genetics, University Medical Center Groningen
Classification: Benign for Mucopolysaccharidosis, MPS-II. Review status: no assertion criteria provided. Collection method: clinical testing. Allele origin: germline. Affected: yes. Study: VKGL Data-share Consensus. Not counted in ClinVar's aggregate classification.

Literature cited by the submitters: DOI 10.1016/j.ymgmr.2014.08.006 (cited by IIFP, CONICET-UNLP).

NM_000202.8(IDS):c.438C>T (p.Thr146=)

Genes: IDS (iduronate 2-sulfatase; minus strand), LOC106050102 (IDS recombination region; plus strand). Cytogenetic location: Xq28.
Variant type: single nucleotide variant.
Coding change: c.438C>T on transcript NM_000202.8 (MANE Select); coding-DNA position 438, C replaced by T.
Protein change: p.Thr146=; no amino-acid change (threonine 146 retained).
Molecular consequence: synonymous variant. On other transcripts: non-coding transcript variant (1).
Genome position (GRCh38, 1-based): chrX:149,501,018, G>A on the plus strand (C>T on the coding strand, the complement: IDS is on the minus strand). VCF-style: chrX-149501018-G-A. GRCh37 (hg19) VCF-style: chrX-148582549-G-A.
Other names: c.168C>T, p.Thr56= (NM_001166550.4); c.438C>T, p.Thr146= (NM_006123.5); c.438C>T (NM_000202.4).
Identifiers: ClinVar variation 92619 (VCV000092619.27), dbSNP rs1141608, ClinGen allele CA331782.